The following is an entry in ClinVar:

NM_006904.7(PRKDC):c.3803A>G (p.Asn1268Ser)

Gene: PRKDC (protein kinase, DNA-activated, catalytic subunit; minus strand). Cytogenetic location: 8q11.21.
Variant type: single nucleotide variant.
Coding change: c.3803A>G on transcript NM_006904.7 (MANE Select); coding-DNA position 3803, A replaced by G.
Protein change: p.Asn1268Ser; replaces asparagine 1268 with serine.
Molecular consequence: missense variant.
Genome position (GRCh38, 1-based): chr8:47,893,183, T>C on the plus strand (A>G on the coding strand, the complement: PRKDC is on the minus strand). VCF-style: chr8-47893183-T-C. GRCh37 (hg19) VCF-style: chr8-48805744-T-C.
Other names: c.3803A>G, p.Asn1268Ser (NM_001081640.2); short protein forms N1268S.
Identifiers: ClinVar variation 999942 (VCV000999942.9), dbSNP rs373092389, ClinGen allele CA4741089.
Genomic context (GRCh38, chr8:47,893,183, plus strand): 5'-GGCAAGGGTGACCTACCTAGGACCTGGAGCGCTCCTACAGTTCTCTCGCCAATGAACGTG[T>C]TGTAGCACTCCAACGCGGCCAGGAGCAGGTCCAGCCAGCATAGCGTGGCCTGCAGGCTGA-3'
Protein context (NP_008835.5, residues 1258-1278): DLLLAALECY[Asn1268Ser]TFIGERTVGA

ClinVar aggregate classification (germline): Uncertain significance. Review status: criteria provided, multiple submitters, no conflicts (2 of 4 stars). 2 submissions from 2 submitters: Uncertain significance (2). Last evaluated 2022-05-25.

Conditions:
Severe combined immunodeficiency due to DNA-PKcs deficiency. Also called: IMMUNODEFICIENCY 26 WITH NEUROLOGIC ABNORMALITIES; Immunodeficiency 26 with or without neurologic abnormalities. Identifiers: Orphanet 317425, MedGen C4014833, MONDO:0014423, OMIM 615966.

Allele frequency attached by ClinVar (database versions not stated): gnomAD 0.00001; gnomAD exomes 0.00001; TOPMed 0.00001; ExAC 0.00002; ESP Exome Variant Server 0.00008.
gnomAD v4.1: 13 of 1,613,282 alleles (0.00081%); highest among the groups gnomAD compares: African/African-American, 0.0093%; no homozygotes.

Submissions (2):

Labcorp Genetics (formerly Invitae), Labcorp
Classification: Uncertain significance for Severe combined immunodeficiency due to DNA-PKcs deficiency. Last evaluated: 2022-05-25. Review status: criteria provided, single submitter. Criteria: Invitae Variant Classification Sherloc (09022015). Collection method: clinical testing. Allele origin: germline.
Comment: This sequence change replaces asparagine, which is neutral and polar, with serine, which is neutral and polar, at codon 1268 of the PRKDC protein (p.Asn1268Ser). This variant is present in population databases (rs373092389, gnomAD 0.004%). In summary, the available evidence is currently insufficient to determine the role of this variant in disease. Therefore, it has been classified as a Variant of Uncertain Significance. Experimental studies and prediction algorithms are not available or were not evaluated, and the functional significance of this variant is currently unknown. ClinVar contains an entry for this variant (Variation ID: 999942). This variant has not been reported in the literature in individuals affected with PRKDC-related conditions.

Breakthrough Genomics
Classification: Uncertain significance. Review status: criteria provided, single submitter. Criteria: ACMG Guidelines, 2015. Collection method: not provided. Allele origin: germline. Inheritance: Autosomal recessive inheritance. Affected: yes.